The following is an entry in ClinVar:

ClinVar aggregate classification (germline): Likely pathogenic (1 of 4 stars; one submission).

Submission:

GeneDx
Classification: Likely pathogenic. Last evaluated: 2026-10-15. Review status: criteria provided, single submitter. Criteria: GeneDx Variant Classification Process June 2021. Collection method: clinical testing. Allele origin: germline.
Comment: Frameshift variant predicted to result in abnormal protein length as the last 49 amino acid(s) are replaced with 56 different amino acid(s); Not observed at significant frequency in large population cohorts (gnomAD); Has not been previously published as pathogenic or benign to our knowledge

NM_177559.3(CSNK2A1):c.1025dup (p.Ser343fs)

Gene: CSNK2A1 (casein kinase 2 alpha 1; minus strand). Cytogenetic location: 20p13.
Variant type: Duplication.
Coding change: c.1025dup on transcript NM_177559.3 (MANE Select); coding-DNA position 1025, one base duplicated (G; older notation c.1025dupG).
Protein change: p.Ser343fs; shifts the reading frame from serine 343.
Molecular consequence: frameshift variant.
Genome position (GRCh38, 1-based): chr20:486,411, C duplicated on the plus strand (G on the coding strand, the reverse complement: CSNK2A1 is on the minus strand); the first of 5 consecutive C bases (chr20:486,411-486,415); duplicating any one gives the same sequence. VCF-style (leftmost placement, unchanged base first): chr20-486410-G-GC. GRCh37 (hg19) VCF-style: chr20-467054-G-GC.
Other names: c.1025dup, p.Ser343fs (NM_001362770.2, NM_001362771.2, NM_001895.4); c.617dup, p.Ser207fs (NM_177560.3); short protein forms S207fs, S343fs.
Identifiers: ClinVar variation 2574999 (VCV002574999.2), dbSNP rs2514632975, ClinGen allele CA2580614982.